The following is an entry in ClinVar:

ClinVar aggregate classification (germline): Likely pathogenic (1 of 4 stars; one submission).

Submission:

GeneDx
Classification: Likely pathogenic. Last evaluated: 2017-02-02. Review status: criteria provided, single submitter. Criteria: GeneDx Variant Classification (06012015). Collection method: clinical testing. Allele origin: germline. Affected: yes.
Comment: This variant was not observed in approximately 6500 individuals of European and African American ancestry in the NHLBI Exome Sequencing Project, indicating it is not a common benign variant in these populations. The C33Y variant is a non-conservative amino acid substitution, which is likely to impact secondary protein structure as these residues differ in polarity, charge, size and/or other properties. This substitution occurs at a position that is conserved across species, and in silico analysis predicts this variant is probably damaging to the protein structure/function. Missense variants in nearby residues (G28V, A30P, A30E, L31R, L31P, F32V, F32L, C35R, C35Y) have been reported in the Human Gene Mutation Database in association with Pelizaeus-Merzbacher disease (Stenson et al., 2014), supporting the functional importance of this region of the protein. The C33Y variant is a strong candidate for a pathogenic variant, however, the possibility it may be a rare benign variant cannot be excluded.

NM_000533.5(PLP1):c.98G>A (p.Cys33Tyr)

Genes: PLP1 (proteolipid protein 1; plus strand), RAB9B (RAB9B, member RAS oncogene family; minus strand). Cytogenetic location: Xq22.2.
Variant type: single nucleotide variant.
Coding change: c.98G>A on transcript NM_000533.5 (MANE Select); coding-DNA position 98, G replaced by A.
Protein change: p.Cys33Tyr; replaces cysteine 33 with tyrosine.
Molecular consequence: missense variant. On other transcripts: intron variant (1).
Genome position (GRCh38, 1-based): chrX:103,785,675, G>A. VCF-style: chrX-103785675-G-A. GRCh37 (hg19) VCF-style: chrX-103040604-G-A.
Other names: c.98G>A, p.Cys33Tyr (NM_001128834.3, NM_199478.3); c.5-72G>A (NM_001305004.1); short protein forms C33Y.
Identifiers: ClinVar variation 420045 (VCV000420045.2), dbSNP rs1064794255, ClinGen allele CA16621168.